The following is an entry in ClinVar:

NM_000170.3(GLDC):c.1576A>C (p.Asn526His)

Gene: GLDC (glycine decarboxylase; minus strand). Cytogenetic location: 9p24.1.
Variant type: single nucleotide variant.
Coding change: c.1576A>C on transcript NM_000170.3 (MANE Select); coding-DNA position 1576, A replaced by C.
Protein change: p.Asn526His; replaces asparagine 526 with histidine.
Molecular consequence: missense variant.
Genome position (GRCh38, 1-based): chr9:6,589,199, T>G on the plus strand (A>C on the coding strand, the complement: GLDC is on the minus strand). VCF-style: chr9-6589199-T-G. GRCh37 (hg19) VCF-style: chr9-6589199-T-G.
Other names: c.1576A>C (NM_000170.2); short protein forms N526H.
Identifiers: ClinVar variation 1391256 (VCV001391256.5), dbSNP rs898444750, ClinGen allele CA188663537.

ClinVar aggregate classification (germline): Uncertain significance. Review status: criteria provided, multiple submitters, no conflicts (2 of 4 stars). 2 submissions from 2 submitters: Uncertain significance (2). Last evaluated 2025-07-14.

Conditions:
Glycine encephalopathy. Also called: Nonketotic hyperglycinemia; Non-ketotic hyperglycinemia. Identifiers: Orphanet 407, MedGen C0751748, MONDO:0011612, HP:0008288.

Allele frequency attached by ClinVar (database versions not stated): gnomAD exomes below 0.00001; TOPMed 0.00003.
gnomAD v4.1: 3 of 1,584,854 alleles (0.00019%); highest among the groups gnomAD compares: Admixed American, 0.0033%; no homozygotes.

Submissions (2):

Labcorp Genetics (formerly Invitae), Labcorp
Classification: Uncertain significance for Glycine encephalopathy. Last evaluated: 2025-07-14. Review status: criteria provided, single submitter. Criteria: Invitae Variant Classification Sherloc (09022015). Collection method: clinical testing. Allele origin: germline.
Comment: This sequence change replaces asparagine, which is neutral and polar, with histidine, which is basic and polar, at codon 526 of the GLDC protein (p.Asn526His). This variant is present in population databases (no rsID available, gnomAD 0.007%). This variant has not been reported in the literature in individuals affected with GLDC-related conditions. ClinVar contains an entry for this variant (Variation ID: 1391256). Invitae Evidence Modeling of protein sequence and biophysical properties (such as structural, functional, and spatial information, amino acid conservation, physicochemical variation, residue mobility, and thermodynamic stability) indicates that this missense variant is not expected to disrupt GLDC protein function with a negative predictive value of 80%. In summary, the available evidence is currently insufficient to determine the role of this variant in disease. Therefore, it has been classified as a Variant of Uncertain Significance.

GeneDx
Classification: Uncertain significance. Last evaluated: 2024-09-15. Review status: criteria provided, single submitter. Criteria: GeneDx Variant Classification Process June 2021. Collection method: clinical testing. Allele origin: germline. Affected: yes.
Comment: Not observed at significant frequency in large population cohorts (gnomAD); In silico analysis supports that this missense variant has a deleterious effect on protein structure/function; Has not been previously published as pathogenic or benign to our knowledge